The following is an entry in ClinVar:

NM_005120.3(MED12):c.1007C>T (p.Pro336Leu)

Gene: MED12 (mediator complex subunit 12; plus strand). Cytogenetic location: Xq13.1.
Variant type: single nucleotide variant.
Coding change: c.1007C>T on transcript NM_005120.3 (MANE Select); coding-DNA position 1007, C replaced by T.
Protein change: p.Pro336Leu; replaces proline 336 with leucine.
Molecular consequence: missense variant.
Genome position (GRCh38, 1-based): chrX:71,121,722, C>T. VCF-style: chrX-71121722-C-T. GRCh37 (hg19) VCF-style: chrX-70341572-C-T.
Other names: short protein forms P336L.
Identifiers: ClinVar variation 3634948 (VCV003634948.2).

ClinVar aggregate classification (germline): Uncertain significance (1 of 4 stars; one submission).

Conditions:
FG syndrome (FGS). Identifiers: MedGen C0220769, MONDO:0002010.

Submission:

Labcorp Genetics (formerly Invitae), Labcorp
Classification: Uncertain significance for FG syndrome. Last evaluated: 2025-01-21. Review status: criteria provided, single submitter. Criteria: Invitae Variant Classification Sherloc (09022015). Collection method: clinical testing. Allele origin: germline.
Comment: This sequence change replaces proline, which is neutral and non-polar, with leucine, which is neutral and non-polar, at codon 336 of the MED12 protein (p.Pro336Leu). This variant is not present in population databases (gnomAD no frequency). This variant has not been reported in the literature in individuals affected with MED12-related conditions. Invitae Evidence Modeling of protein sequence and biophysical properties (such as structural, functional, and spatial information, amino acid conservation, physicochemical variation, residue mobility, and thermodynamic stability) indicates that this missense variant is not expected to disrupt MED12 protein function with a negative predictive value of 95%. In summary, the available evidence is currently insufficient to determine the role of this variant in disease. Therefore, it has been classified as a Variant of Uncertain Significance.